The following is an entry in ClinVar:

NM_001080517.3(SETD5):c.3697A>G (p.Ser1233Gly)

Gene: SETD5 (SET domain containing 5; plus strand). Cytogenetic location: 3p25.3.
Variant type: single nucleotide variant.
Coding change: c.3697A>G on transcript NM_001080517.3 (MANE Select); coding-DNA position 3697, A replaced by G.
Protein change: p.Ser1233Gly; replaces serine 1233 with glycine.
Molecular consequence: missense variant.
Genome position (GRCh38, 1-based): chr3:9,475,133, A>G. VCF-style: chr3-9475133-A-G. GRCh37 (hg19) VCF-style: chr3-9516817-A-G.
Other names: c.3403A>G, p.Ser1135Gly (NM_001292043.2, NM_001349451.2); short protein forms S1135G, S1233G.
Identifiers: ClinVar variation 1327818 (VCV001327818.6), dbSNP rs779444948, ClinGen allele CA2239764.

ClinVar aggregate classification (germline): Conflicting classifications of pathogenicity. Review status: criteria provided, conflicting classifications (1 of 4 stars). 4 submissions from 4 submitters: Uncertain significance (3); Likely benign (1). Last evaluated 2025-08-30.

Conditions:
Inborn genetic diseases. Identifiers: MedGen C0950123, MeSH D030342.
Intellectual disability-facial dysmorphism syndrome due to SETD5 haploinsufficiency (MRD23). Also called: Intellectual developmental disorder, autosomal dominant 23. Identifiers: Orphanet 404440, MedGen C3810406, MONDO:0014336, OMIM 615761.

Allele frequency attached by ClinVar (database versions not stated): gnomAD exomes below 0.00001; ExAC 0.00003; gnomAD 0.00003; TOPMed 0.00003.

Submissions (4):

Ambry Genetics
Classification: Likely benign for Inborn genetic diseases. Last evaluated: 2025-08-30. Review status: criteria provided, single submitter. Criteria: Ambry Variant Classification Scheme 2023. Collection method: clinical testing. Allele origin: germline.

GeneDx
Classification: Uncertain significance. Last evaluated: 2024-09-30. Review status: criteria provided, single submitter. Criteria: GeneDx Variant Classification Process June 2021. Collection method: clinical testing. Allele origin: germline. Affected: yes.
Comment: Not observed at significant frequency in large population cohorts (gnomAD); In silico analysis indicates that this missense variant does not alter protein structure/function; Has not been previously published as pathogenic or benign to our knowledge

Laboratorio de Genetica e Diagnostico Molecular, Hospital Israelita Albert Einstein
Classification: Uncertain significance for Intellectual disability-facial dysmorphism syndrome due to SETD5 haploinsufficiency. Last evaluated: 2022-09-02. Review status: criteria provided, single submitter. Criteria: ACMG Guidelines, 2015. Collection method: clinical testing. Allele origin: germline. Affected: yes.
Comment: ACMG classification criteria: PM2 supporting

AiLife Diagnostics
Classification: Uncertain significance. Last evaluated: 2020-07-21. Review status: criteria provided, single submitter. Criteria: ACMG Guidelines, 2015. Collection method: clinical testing. Allele origin: germline. Affected: yes. Observed: 1 variant allele.